The following is an entry in ClinVar:

ClinVar aggregate classification (germline): Uncertain significance (1 of 4 stars; one submission).

Submission:

Labcorp Genetics (formerly Invitae), Labcorp
Classification: Uncertain significance. Last evaluated: 2024-09-01. Review status: criteria provided, single submitter. Criteria: Invitae Variant Classification Sherloc (09022015). Collection method: clinical testing. Allele origin: germline.
Comment: This sequence change replaces aspartic acid, which is acidic and polar, with valine, which is neutral and non-polar, at codon 1041 of the DNA2 protein (p.Asp1041Val). This variant is not present in population databases (gnomAD no frequency). This variant has not been reported in the literature in individuals affected with DNA2-related conditions. Experimental studies and prediction algorithms are not available or were not evaluated, and the functional significance of this variant is currently unknown. In summary, the available evidence is currently insufficient to determine the role of this variant in disease. Therefore, it has been classified as a Variant of Uncertain Significance.

NM_001080449.3(DNA2):c.3122A>T (p.Asp1041Val)

Genes: DNA2 (DNA replication helicase/nuclease 2; minus strand), LOC132089842 (Neanderthal introgressed variant-containing enhancer experimental_16635; plus strand). Cytogenetic location: 10q21.3.
Variant type: single nucleotide variant.
Coding change: c.3122A>T on transcript NM_001080449.3 (MANE Select); coding-DNA position 3122, A replaced by T.
Protein change: p.Asp1041Val; replaces aspartic acid 1041 with valine.
Molecular consequence: missense variant. On other transcripts: non-coding transcript variant (1).
Genome position (GRCh38, 1-based): chr10:68,415,100, T>A on the plus strand (A>T on the coding strand, the complement: DNA2 is on the minus strand). VCF-style: chr10-68415100-T-A. GRCh37 (hg19) VCF-style: chr10-70174857-T-A.
Other names: short protein forms D1041V.
Identifiers: ClinVar variation 3664175 (VCV003664175.2).